The following is an entry in ClinVar:

NM_001151.4(SLC25A4):c.868T>G (p.Leu290Val)

Gene: SLC25A4 (solute carrier family 25 member 4; plus strand). Cytogenetic location: 4q35.1.
Variant type: single nucleotide variant.
Coding change: c.868T>G on transcript NM_001151.4 (MANE Select); coding-DNA position 868, T replaced by G.
Protein change: p.Leu290Val; replaces leucine 290 with valine.
Molecular consequence: missense variant.
Genome position (GRCh38, 1-based): chr4:185,146,942, T>G. VCF-style: chr4-185146942-T-G. GRCh37 (hg19) VCF-style: chr4-186068096-T-G.
Other names: short protein forms L290V.
Identifiers: ClinVar variation 2726030 (VCV002726030.4), dbSNP rs774787245, ClinGen allele CA3156597.

ClinVar aggregate classification (germline): Uncertain significance. Review status: criteria provided, multiple submitters, no conflicts (2 of 4 stars). 2 submissions from 2 submitters: Uncertain significance (2). Last evaluated 2026-08-01.

Allele frequency attached by ClinVar (database versions not stated): gnomAD exomes below 0.00001; ExAC 0.00001.
gnomAD v4.1: 1 of 1,614,152 alleles (0.000062%); highest among the groups gnomAD compares: Non-Finnish European, 0.000085%; no homozygotes.

Submissions (2):

CeGaT Center for Human Genetics Tuebingen
Classification: Uncertain significance. Last evaluated: 2026-08-01. Review status: criteria provided, single submitter. Criteria: CeGaT Center For Human Genetics Tuebingen Variant Classification Criteria Version 2. Collection method: clinical testing. Allele origin: germline. Affected: yes. Observed: 1 variant allele.
Comment: SLC25A4: PM2

Labcorp Genetics (formerly Invitae), Labcorp
Classification: Uncertain significance. Last evaluated: 2024-09-08. Review status: criteria provided, single submitter. Criteria: Invitae Variant Classification Sherloc (09022015). Collection method: clinical testing. Allele origin: germline.
Comment: This sequence change replaces leucine, which is neutral and non-polar, with valine, which is neutral and non-polar, at codon 290 of the SLC25A4 protein (p.Leu290Val). This variant is not present in population databases (gnomAD no frequency). This variant has not been reported in the literature in individuals affected with SLC25A4-related conditions. Invitae Evidence Modeling of protein sequence and biophysical properties (such as structural, functional, and spatial information, amino acid conservation, physicochemical variation, residue mobility, and thermodynamic stability) indicates that this missense variant is not expected to disrupt SLC25A4 protein function with a negative predictive value of 80%. In summary, the available evidence is currently insufficient to determine the role of this variant in disease. Therefore, it has been classified as a Variant of Uncertain Significance.